The following is an entry in ClinVar:

NM_018063.5(HELLS):c.490T>C (p.Ser164Pro)

Gene: HELLS (helicase, lymphoid specific; plus strand). Cytogenetic location: 10q23.33.
Variant type: single nucleotide variant.
Coding change: c.490T>C on transcript NM_018063.5 (MANE Select); coding-DNA position 490, T replaced by C.
Protein change: p.Ser164Pro; replaces serine 164 with proline.
Molecular consequence: missense variant. On other transcripts: 5 prime UTR variant (2).
Genome position (GRCh38, 1-based): chr10:94,573,972, T>C. VCF-style: chr10-94573972-T-C. GRCh37 (hg19) VCF-style: chr10-96333729-T-C.
Other names: c.490T>C, p.Ser164Pro (NM_001289067.2, NM_001289069.2, NM_001289070.2 and 1 more transcripts); c.442T>C, p.Ser148Pro (NM_001289068.2); c.118T>C, p.Ser40Pro (NM_001289071.2); c.76T>C, p.Ser26Pro (NM_001289073.2); c.-513T>C (NM_001289074.2); c.-532T>C (NM_001289075.2); short protein forms S40P, S26P, S148P, S164P.
Identifiers: ClinVar variation 1947229 (VCV001947229.3), dbSNP rs1163114791, ClinGen allele CA377659033.

ClinVar aggregate classification (germline): Uncertain significance (1 of 4 stars; one submission).

Allele frequency attached by ClinVar (database versions not stated): TOPMed below 0.00001.
gnomAD v4.1: 7 of 1,601,406 alleles (0.00044%); highest among the groups gnomAD compares: Non-Finnish European, 0.0006%; no homozygotes.

Submission:

Labcorp Genetics (formerly Invitae), Labcorp
Classification: Uncertain significance. Last evaluated: 2022-06-22. Review status: criteria provided, single submitter. Criteria: Invitae Variant Classification Sherloc (09022015). Collection method: clinical testing. Allele origin: germline.
Comment: This variant has not been reported in the literature in individuals affected with HELLS-related conditions. In summary, the available evidence is currently insufficient to determine the role of this variant in disease. Therefore, it has been classified as a Variant of Uncertain Significance. Algorithms developed to predict the effect of missense changes on protein structure and function (SIFT, PolyPhen-2, Align-GVGD) all suggest that this variant is likely to be tolerated. This variant is present in population databases (no rsID available, gnomAD 0.002%). This sequence change replaces serine, which is neutral and polar, with proline, which is neutral and non-polar, at codon 164 of the HELLS protein (p.Ser164Pro).